The following is an entry in ClinVar:

NM_000548.5(TSC2):c.5258G>T (p.Arg1753Leu)

Gene: TSC2 (TSC complex subunit 2; plus strand). Cytogenetic location: 16p13.3.
Variant type: single nucleotide variant.
Coding change: c.5258G>T on transcript NM_000548.5 (MANE Select); coding-DNA position 5258, G replaced by T.
Protein change: p.Arg1753Leu; replaces arginine 1753 with leucine.
Molecular consequence: missense variant. On other transcripts: non-coding transcript variant (5).
Genome position (GRCh38, 1-based): chr16:2,088,324, G>T. VCF-style: chr16-2088324-G-T. GRCh37 (hg19) VCF-style: chr16-2138325-G-T.
Other names: c.5045G>T, p.Arg1682Leu (NM_001406673.1); c.5042G>T, p.Arg1681Leu (NM_001406675.1); c.5039G>T, p.Arg1680Leu (NM_001406676.1); c.5000G>T, p.Arg1667Leu (NM_001406677.1); c.4946G>T, p.Arg1649Leu (NM_001406678.1); c.4910G>T, p.Arg1637Leu (NM_001406679.1); c.4658G>T, p.Arg1553Leu (NM_001406680.1); c.4598G>T, p.Arg1533Leu (NM_001406681.1); and 27 more; short protein forms R1239L, R1261L, R1486L, R1509L, R1649L, R1680L, R1687L, R1697L.
Identifiers: ClinVar variation 3974603 (VCV003974603.1).

ClinVar aggregate classification (germline): Uncertain significance (1 of 4 stars; one submission).

Conditions:
Hereditary cancer-predisposing syndrome. Also called: Tumor predisposition; Hereditary neoplastic syndrome; Hereditary Cancer Syndrome; Neoplastic Syndromes, Hereditary. Identifiers: Orphanet 140162, MedGen C0027672, MeSH D009386, MONDO:0015356.

gnomAD v4.1: 1 of 1,612,680 alleles (0.000062%); highest among the groups gnomAD compares: Non-Finnish European, 0.000085%; no homozygotes.

Submission:

Ambry Genetics
Classification: Uncertain significance for Hereditary cancer-predisposing syndrome. Last evaluated: 2025-04-25. Review status: criteria provided, single submitter. Criteria: Ambry Variant Classification Scheme 2023. Collection method: clinical testing. Allele origin: germline.
Comment: The p.R1753L variant (also known as c.5258G>T), located in coding exon 40 of the TSC2 gene, results from a G to T substitution at nucleotide position 5258. The arginine at codon 1753 is replaced by leucine, an amino acid with dissimilar properties. This amino acid position is conserved. In addition, this alteration is predicted to be deleterious by in silico analysis. Based on the available evidence, the clinical significance of this variant remains unclear.